The following is an entry in ClinVar:

NM_005591.4(MRE11):c.384T>G (p.Asn128Lys)

Gene: MRE11 (MRE11 double strand break repair nuclease; minus strand). Cytogenetic location: 11q21.
Variant type: single nucleotide variant.
Coding change: c.384T>G on transcript NM_005591.4 (MANE Select); coding-DNA position 384, T replaced by G.
Protein change: p.Asn128Lys; replaces asparagine 128 with lysine.
Molecular consequence: missense variant. On other transcripts: 5 prime UTR variant (3), intron variant (3).
Genome position (GRCh38, 1-based): chr11:94,479,692, A>C on the plus strand (T>G on the coding strand, the complement: MRE11 is on the minus strand). VCF-style: chr11-94479692-A-C. GRCh37 (hg19) VCF-style: chr11-94212858-A-C.
Other names: c.384T>G, p.Asn128Lys (NM_001330347.2, NM_001440460.1, NM_001440461.1 and 18 more transcripts); c.309T>G, p.Asn103Lys (NM_001440471.1, NM_001440472.1, NM_001440479.1); c.-85T>G (NM_001440485.1, NM_001440486.1, NM_001440487.1); c.314+6232T>G (NM_001440483.1, NM_001440484.1, NM_001440482.1); short protein forms N103K, N128K.
Identifiers: ClinVar variation 4110102 (VCV004110102.1).

ClinVar aggregate classification (germline): Uncertain significance (1 of 4 stars; one submission).

Conditions:
Hereditary cancer-predisposing syndrome. Also called: Tumor predisposition; Neoplastic Syndromes, Hereditary; Hereditary neoplastic syndrome; Hereditary Cancer Syndrome. Identifiers: Orphanet 140162, MedGen C0027672, MeSH D009386, MONDO:0015356.

Submission:

Ambry Genetics
Classification: Uncertain significance for Hereditary cancer-predisposing syndrome. Last evaluated: 2025-09-01. Review status: criteria provided, single submitter. Criteria: Ambry Variant Classification Scheme 2023. Collection method: clinical testing. Allele origin: germline.
Comment: The p.N128K variant (also known as c.384T>G), located in coding exon 4 of the MRE11A gene, results from a T to G substitution at nucleotide position 384. The asparagine at codon 128 is replaced by lysine, an amino acid with similar properties. This amino acid position is conserved. In addition, this alteration is predicted to be deleterious by in silico analysis. Based on the available evidence, the clinical significance of this variant remains unclear.